The following is an entry in ClinVar:

NM_000136.3(FANCC):c.*2085C>A

Genes: AOPEP (aminopeptidase O (putative); plus strand), FANCC (FA complementation group C; minus strand). Cytogenetic location: 9q22.32.
Variant type: single nucleotide variant.
Coding change: c.*2085C>A on transcript NM_000136.3 (MANE Select); 2085 bases downstream of the stop codon, C replaced by A.
Molecular consequence: 3 prime UTR variant.
Genome position (GRCh38, 1-based): chr9:95,099,622, G>T on the plus strand (C>A on the coding strand, the complement: FANCC is on the minus strand). VCF-style: chr9-95099622-G-T. GRCh37 (hg19) VCF-style: chr9-97861904-G-T.
Other names: c.*2085C>A (NM_001243743.2).
Identifiers: ClinVar variation 367575 (VCV000367575.5), dbSNP rs4647559, ClinGen allele CA10634151.

ClinVar aggregate classification (germline): Benign (1 of 4 stars; one submission).

Conditions:
Fanconi anemia complementation group C (FANCC). Also called: FANCONI PANCYTOPENIA, TYPE 3; FACC; Fanconi anemia, group C; FANCC-Related Fanconi Anemia. Identifiers: Orphanet 84, MedGen C3468041, MONDO:0009213, OMIM 227645.

Allele frequency attached by ClinVar (database versions not stated): gnomAD exomes 0.00332; gnomAD 0.01675 and 0.01780; 1000 Genomes Project 0.01897; TOPMed 0.01920; 1000 Genomes Project 30x 0.02014.
gnomAD v4.1: 2,811 of 231,330 alleles (1.2%); highest among the groups gnomAD compares: African/African-American, 5.8%; 85 homozygotes.

Submission:

Illumina Laboratory Services, Illumina
Classification: Benign for Fanconi anemia complementation group C. Last evaluated: 2018-01-12. Review status: criteria provided, single submitter. Criteria: ICSL Variant Classification Criteria 13 December 2019. Collection method: clinical testing. Allele origin: germline.
Comment: This variant was observed in the ICSL laboratory as part of a predisposition screen in an ostensibly healthy population. It had not been previously curated by ICSL or reported in the Human Gene Mutation Database (HGMD: prior to June 1st, 2018), and was therefore a candidate for classification through an automated scoring system. Utilizing variant allele frequency, disease prevalence and penetrance estimates, and inheritance mode, an automated score was calculated to assess if this variant is too frequent to cause the disease. Based on the score and internal cut-off values, a variant classified as benign is not then subjected to further curation. The score for this variant resulted in a classification of benign for this disease.